The following is an entry in ClinVar:

ClinVar aggregate classification (germline): Likely benign. Review status: criteria provided, multiple submitters, no conflicts (2 of 4 stars). 4 submissions from 4 submitters: Likely benign (4). Last evaluated 2026-01-19.

Conditions:
ADGRV1-related disorder. Also called: ADGRV1-related disorders; ADGRV1-related condition.

Allele frequency attached by ClinVar (database versions not stated): ExAC 0.00001; gnomAD exomes 0.00002; gnomAD 0.00010 and 0.00011; TOPMed 0.00015.
gnomAD v4.1: 54 of 1,613,882 alleles (0.0033%); highest among the groups gnomAD compares: African/African-American, 0.063%; no homozygotes.

Submissions (4):

Labcorp Genetics (formerly Invitae), Labcorp
Classification: Likely benign. Last evaluated: 2026-01-19. Review status: criteria provided, single submitter. Criteria: Invitae Variant Classification Sherloc (09022015). Collection method: clinical testing. Allele origin: germline.

PreventionGenetics, part of Exact Sciences
Classification: Likely benign for ADGRV1-related condition. Last evaluated: 2025-10-28. Review status: criteria provided, single submitter. Criteria: ACMG Guidelines, 2015. Collection method: clinical testing. Allele origin: germline.
Comment: This variant is classified as likely benign based on ACMG/AMP sequence variant interpretation guidelines (Richards et al. 2015 PMID: 25741868, with internal and published modifications).

Blueprint Genetics
Classification: Likely benign. Last evaluated: 2023-12-13. Review status: criteria provided, single submitter. Criteria: ACMG Guidelines, 2015. Collection method: clinical testing. Allele origin: germline.

Laboratory for Molecular Medicine, Mass General Brigham Personalized Medicine
Classification: Likely benign. Last evaluated: 2017-08-23. Review status: criteria provided, single submitter. Criteria: LMM Criteria. Collection method: clinical testing. Allele origin: germline. Observed: 1 variant allele.
Comment: p.Asn3431Asn in exon 49 of GPR98: This variant is not expected to have clinical significance because it does not alter an amino acid residue and is not located within the splice consensus sequence. It has been identified in 1/9798 African c hromosomes by the Exome Aggregation Consortium (ExAC .org; dbSNP rs763452527).

NM_032119.4(ADGRV1):c.10293C>T (p.Asn3431=)

Gene: ADGRV1 (adhesion G protein-coupled receptor V1; plus strand). Cytogenetic location: 5q14.3.
Variant type: single nucleotide variant.
Coding change: c.10293C>T on transcript NM_032119.4 (MANE Select); coding-DNA position 10293, C replaced by T.
Protein change: p.Asn3431=; no amino-acid change (asparagine 3431 retained).
Molecular consequence: synonymous variant. On other transcripts: non-coding transcript variant (1).
Genome position (GRCh38, 1-based): chr5:90,728,800, C>T. VCF-style: chr5-90728800-C-T. GRCh37 (hg19) VCF-style: chr5-90024617-C-T.
Identifiers: ClinVar variation 666645 (VCV000666645.14), dbSNP rs763452527, ClinGen allele CA3340723.